The following is an entry in ClinVar:

ClinVar aggregate classification (germline): Uncertain significance (1 of 4 stars; one submission).

Submission:

Labcorp Genetics (formerly Invitae), Labcorp
Classification: Uncertain significance. Last evaluated: 2023-12-18. Review status: criteria provided, single submitter. Criteria: Invitae Variant Classification Sherloc (09022015). Collection method: clinical testing. Allele origin: germline.
Comment: This sequence change replaces glycine, which is neutral and non-polar, with aspartic acid, which is acidic and polar, at codon 3894 of the FAT4 protein (p.Gly3894Asp). This variant is not present in population databases (gnomAD no frequency). This variant has not been reported in the literature in individuals affected with FAT4-related conditions. ClinVar contains an entry for this variant (Variation ID: 1972714). Advanced modeling of protein sequence and biophysical properties (such as structural, functional, and spatial information, amino acid conservation, physicochemical variation, residue mobility, and thermodynamic stability) performed at Invitae indicates that this missense variant is expected to disrupt FAT4 protein function with a positive predictive value of 95%. In summary, the available evidence is currently insufficient to determine the role of this variant in disease. Therefore, it has been classified as a Variant of Uncertain Significance.

NM_001291303.3(FAT4):c.11687G>A (p.Gly3896Asp)

Gene: FAT4 (FAT atypical cadherin 4; plus strand). Cytogenetic location: 4q28.1.
Variant type: single nucleotide variant.
Coding change: c.11687G>A on transcript NM_001291303.3 (MANE Select); coding-DNA position 11687, G replaced by A.
Protein change: p.Gly3896Asp; replaces glycine 3896 with aspartic acid.
Molecular consequence: missense variant.
Genome position (GRCh38, 1-based): chr4:125,452,697, G>A. VCF-style: chr4-125452697-G-A. GRCh37 (hg19) VCF-style: chr4-126373852-G-A.
Other names: c.11687G>A, p.Gly3896Asp (NM_001291285.3); c.11681G>A, p.Gly3894Asp (NM_024582.6); short protein forms G3894D, G3896D.
Identifiers: ClinVar variation 1972714 (VCV001972714.5), dbSNP rs1011162933, ClinGen allele CA104883361.